The following is an entry in ClinVar:

ClinVar aggregate classification (germline): Uncertain significance. Review status: criteria provided, multiple submitters, no conflicts (2 of 4 stars). 5 submissions from 5 submitters: Uncertain significance (4). 1 of the submissions does not count toward it. Last evaluated 2026-01-14.

Conditions:
Infertility disorder. Also called: Infertility. Identifiers: MedGen C0021359, MeSH D007246, MONDO:0005047, HP:0000789.
Primary ciliary dyskinesia 19. Also called: CILIARY DYSKINESIA, PRIMARY, 19, WITH OR WITHOUT SITUS INVERSUS. Identifiers: Orphanet 244, MedGen C3543826, MONDO:0013979, OMIM 614935.

Allele frequency attached by ClinVar (database versions not stated): gnomAD 0.00008 and 0.00009; TOPMed 0.00011; gnomAD exomes 0.00014 and 0.00018; ExAC 0.00017; ESP Exome Variant Server 0.00023.
gnomAD v4.1: 216 of 1,613,962 alleles (0.013%); highest among the groups gnomAD compares: Non-Finnish European, 0.017%; no homozygotes.

Submissions (5):

Labcorp Genetics (formerly Invitae), Labcorp
Classification: Uncertain significance for Primary ciliary dyskinesia 19. Last evaluated: 2026-01-14. Review status: criteria provided, single submitter. Criteria: Invitae Variant Classification Sherloc (09022015). Collection method: clinical testing. Allele origin: germline.
Comment: This sequence change replaces isoleucine, which is neutral and non-polar, with methionine, which is neutral and non-polar, at codon 9 of the LRRC6 protein (p.Ile9Met). This variant is present in population databases (rs200906172, gnomAD 0.04%). This missense change has been observed in individual(s) with clinical features of primary ciliary dyskinesia (PMID: 30300419). ClinVar contains an entry for this variant (Variation ID: 473106). Invitae Evidence Modeling of protein sequence and biophysical properties (such as structural, functional, and spatial information, amino acid conservation, physicochemical variation, residue mobility, and thermodynamic stability) indicates that this missense variant is not expected to disrupt LRRC6 protein function with a negative predictive value of 80%. In summary, the available evidence is currently insufficient to determine the role of this variant in disease. Therefore, it has been classified as a Variant of Uncertain Significance.

Blueprint Genetics
Classification: Uncertain significance. Last evaluated: 2024-10-15. Review status: criteria provided, single submitter. Criteria: ACMG Guidelines, 2015. Collection method: clinical testing. Allele origin: germline.

GeneDx
Classification: Uncertain significance. Last evaluated: 2024-03-25. Review status: criteria provided, single submitter. Criteria: GeneDx Variant Classification Process June 2021. Collection method: clinical testing. Allele origin: germline. Affected: yes.
Comment: Identified in an individual with primary ciliary dyskinesia, however, no second variant was identified (PMID: 30300419); In silico analysis supports that this missense variant does not alter protein structure/function; This variant is associated with the following publications: (PMID: 30300419, 33988008)

Illumina Laboratory Services, Illumina
Classification: Uncertain significance for Primary ciliary dyskinesia 19. Last evaluated: 2017-04-27. Review status: criteria provided, single submitter. Criteria: ICSL Variant Classification Criteria 13 December 2019. Collection method: clinical testing. Allele origin: germline.

MAGI's Lab - Research, MAGI Group
Classification: Uncertain significance for Infertility disorder. Review status: no assertion criteria provided. Collection method: provider interpretation. Allele origin: germline. Affected: yes. Not counted in ClinVar's aggregate classification.

Literature cited by the submitters: PubMed 30300419 (cited by Labcorp Genetics (formerly Invitae), Labcorp).

NM_012472.6(DNAAF11):c.27T>G (p.Ile9Met)

Gene: DNAAF11 (dynein axonemal assembly factor 11; minus strand). Cytogenetic location: 8q24.22.
Variant type: single nucleotide variant.
Coding change: c.27T>G on transcript NM_012472.6 (MANE Select); coding-DNA position 27, T replaced by G.
Protein change: p.Ile9Met; replaces isoleucine 9 with methionine.
Molecular consequence: missense variant. On other transcripts: 5 prime UTR variant (4), non-coding transcript variant (7), intron variant (1).
Genome position (GRCh38, 1-based): chr8:132,661,611, A>C on the plus strand (T>G on the coding strand, the complement: DNAAF11 is on the minus strand). VCF-style: chr8-132661611-A-C. GRCh37 (hg19) VCF-style: chr8-133673857-A-C.
Other names: c.27T>G, p.Ile9Met (NM_001321961.2); c.-334T>G (NM_001321963.2, NM_001321964.2, NM_001321966.2); c.-647T>G (NM_001321965.2); c.10+13873T>G (NM_001321962.2); short protein forms I9M.
Identifiers: ClinVar variation 473106 (VCV000473106.16), dbSNP rs200906172, ClinGen allele CA4881491.